The following is an entry in ClinVar:

ClinVar aggregate classification (germline): Uncertain significance (1 of 4 stars; one submission).

Conditions:
FBN1-related disorder. Also called: FBN1-related disorders.

Submission:

PreventionGenetics, part of Exact Sciences
Classification: Uncertain significance for FBN1-related condition. Last evaluated: 2023-05-11. Review status: criteria provided, single submitter. Criteria: ACMG Guidelines, 2015. Collection method: clinical testing. Allele origin: germline.
Comment: The FBN1 c.1033T>C variant is predicted to result in the amino acid substitution p.Cys345Arg. To our knowledge, this variant has not been reported in the literature or in a large population database, indicating this variant is rare. At this time, the clinical significance of this variant is uncertain due to the absence of conclusive functional and genetic evidence.

NM_000138.5(FBN1):c.1033T>C (p.Cys345Arg)

Genes: FBN1 (fibrillin 1; minus strand), LOC113939944 (Sharpr-MPRA regulatory region 9539; plus strand). Cytogenetic location: 15q21.1.
Variant type: single nucleotide variant.
Coding change: c.1033T>C on transcript NM_000138.5 (MANE Select); coding-DNA position 1033, T replaced by C.
Protein change: p.Cys345Arg; replaces cysteine 345 with arginine.
Molecular consequence: missense variant.
Genome position (GRCh38, 1-based): chr15:48,520,773, A>G on the plus strand (T>C on the coding strand, the complement: FBN1 is on the minus strand). VCF-style: chr15-48520773-A-G. GRCh37 (hg19) VCF-style: chr15-48812970-A-G.
Other names: c.1033T>C, p.Cys345Arg (NM_001406716.1); short protein forms C345R.
Identifiers: ClinVar variation 2632875 (VCV002632875.1), dbSNP rs2505629204, ClinGen allele CA392347815.
Genomic context (GRCh38, chr15:48,520,773, plus strand): 5'-ATCGGCCGGCATCACAGCAGCACTGCATTTTGGTTATGGACTGTGGCAGCTGGTTAGAGC[A>G]GCGCCCGTTTGTCAGAGCTGTGTAACAGTATCCTGGGCGAACATCTGAGGACAAAGAAAC-3'
Protein context (NP_000129.3, residues 335-355): YCYTALTNGR[Cys345Arg]SNQLPQSITK